The following is an entry in ClinVar:

NM_001347721.2(DYRK1A):c.454A>G (p.Ile152Val)

Gene: DYRK1A (dual specificity tyrosine phosphorylation regulated kinase 1A; plus strand). Cytogenetic location: 21q22.13.
Variant type: single nucleotide variant.
Coding change: c.454A>G on transcript NM_001347721.2 (MANE Select); coding-DNA position 454, A replaced by G.
Protein change: p.Ile152Val; replaces isoleucine 152 with valine.
Molecular consequence: missense variant.
Genome position (GRCh38, 1-based): chr21:37,480,791, A>G. VCF-style: chr21-37480791-A-G. GRCh37 (hg19) VCF-style: chr21-38853093-A-G.
Other names: c.454A>G, p.Ile152Val (NM_001347722.2, NM_130436.2); c.367A>G, p.Ile123Val (NM_001347723.2); c.481A>G, p.Ile161Val (NM_001396.5, NM_101395.2, NM_130438.2); short protein forms I123V, I152V, I161V.
Identifiers: ClinVar variation 2652655 (VCV002652655.24), dbSNP rs2517988179, ClinGen allele CA409944562.
Genomic context (GRCh38, chr21:37,480,791, plus strand): 5'-GATGATGATAACTATGATTATATTGTAAAAAACGGAGAAAAGTGGATGGATCGTTACGAA[A>G]TTGACTCCTTGATAGGCAAAGGTTCCTTTGGACAGGTAATTTAATGGAAAATGCTGAATT-3'
Protein context (NP_001334650.1, residues 142-162): NGEKWMDRYE[Ile152Val]DSLIGKGSFG

ClinVar aggregate classification (germline): Uncertain significance (1 of 4 stars; one submission).

Submission:

CeGaT Center for Human Genetics Tuebingen
Classification: Uncertain significance. Last evaluated: 2022-06-01. Review status: criteria provided, single submitter. Criteria: CeGaT Center For Human Genetics Tuebingen Variant Classification Criteria Version 2. Collection method: clinical testing. Allele origin: germline. Affected: yes. Observed: 1 variant allele.
Comment: DYRK1A: PM2, PP2